The following is an entry in ClinVar:

ClinVar aggregate classification (germline): Uncertain significance (1 of 4 stars; one submission).

Conditions:
Hereditary cancer-predisposing syndrome. Also called: Neoplastic Syndromes, Hereditary; Tumor predisposition; Hereditary Cancer Syndrome; Hereditary neoplastic syndrome. Identifiers: Orphanet 140162, MedGen C0027672, MeSH D009386, MONDO:0015356.
Familial thoracic aortic aneurysm and aortic dissection (TAAD). Also called: Thoracic aortic aneurysms and dissections. Identifiers: Orphanet 91387, MedGen C4707243, MONDO:0019625.

Submission:

Ambry Genetics
Classification: Uncertain significance for Hereditary cancer-predisposing syndrome; Familial thoracic aortic aneurysm and aortic dissection. Last evaluated: 2026-05-28. Review status: criteria provided, single submitter. Criteria: Ambry Variant Classification Scheme 2023. Collection method: clinical testing. Allele origin: germline.
Comment: The p.D415G variant (also known as c.1244A>G), located in coding exon 9 of the SMAD4 gene, results from an A to G substitution at nucleotide position 1244. The aspartic acid at codon 415 is replaced by glycine, an amino acid with similar properties. This amino acid position is highly conserved in available vertebrate species. In addition, this alteration is predicted to be deleterious by in silico analysis. Based on the available evidence, the clinical significance of this variant remains unclear.

NM_005359.6(SMAD4):c.1244A>G (p.Asp415Gly)

Gene: SMAD4 (SMAD family member 4; plus strand). Cytogenetic location: 18q21.2.
Variant type: single nucleotide variant.
Coding change: c.1244A>G on transcript NM_005359.6 (MANE Select); coding-DNA position 1244, A replaced by G.
Protein change: p.Asp415Gly; replaces aspartic acid 415 with glycine.
Molecular consequence: missense variant.
Genome position (GRCh38, 1-based): chr18:51,067,123, A>G. VCF-style: chr18-51067123-A-G. GRCh37 (hg19) VCF-style: chr18-48593493-A-G.
Other names: c.1244A>G, p.Asp415Gly (NM_001407041.1, NM_001407042.1); short protein forms D415G.
Identifiers: ClinVar variation 1759065 (VCV001759065.3), dbSNP rs2144452526, ClinGen allele CA402464942.
Genomic context (GRCh38, chr18:51,067,123, plus strand): 5'-GTGATGTTTGGGTCAGGTGCCTTAGTGACCACGCGGTCTTTGTACAGAGTTACTACTTAG[A>G]CAGAGAAGCTGGGCGTGCACCTGGAGATGCTGTTCATAAGATCTACCCAAGTGCATATAT-3'
Protein context (NP_005350.1, residues 405-425): HAVFVQSYYL[Asp415Gly]REAGRAPGDA